The following is an entry in ClinVar:

NM_021828.5(HPSE2):c.785-2A>G

Gene: HPSE2 (heparanase 2 (inactive); minus strand). Cytogenetic location: 10q24.2.
Variant type: single nucleotide variant.
Coding change: c.785-2A>G on transcript NM_021828.5 (MANE Select); the canonical splice acceptor site of the intron before coding-DNA position 785, A replaced by G.
Molecular consequence: splice acceptor variant.
Genome position (GRCh38, 1-based): chr10:98,721,830, T>C on the plus strand (A>G on the coding strand, the complement: HPSE2 is on the minus strand). VCF-style: chr10-98721830-T-C. GRCh37 (hg19) VCF-style: chr10-100481587-T-C.
Other names: c.449-2A>G (NM_001166245.1); c.611-2A>G (NM_001166244.1); c.785-2A>G (NM_001166246.1).
Identifiers: ClinVar variation 1067728 (VCV001067728.7), dbSNP rs1948934089, ClinGen allele CA378249927.

ClinVar aggregate classification (germline): Likely pathogenic (1 of 4 stars; one submission).

Allele frequency attached by ClinVar (database versions not stated): TOPMed below 0.00001; gnomAD exomes 0.00001.
gnomAD v4.1: 7 of 1,613,206 alleles (0.00043%); highest among the groups gnomAD compares: Non-Finnish European, 0.00059%; no homozygotes.

Submission:

Labcorp Genetics (formerly Invitae), Labcorp
Classification: Likely pathogenic. Last evaluated: 2021-01-27. Review status: criteria provided, single submitter. Criteria: Invitae Variant Classification Sherloc (09022015). Collection method: clinical testing. Allele origin: germline.
Comment: This sequence change affects an acceptor splice site in intron 4 of the HPSE2 gene. It is expected to disrupt RNA splicing and likely results in an absent or disrupted protein product. In summary, the currently available evidence indicates that the variant is pathogenic, but additional data are needed to prove that conclusively. Therefore, this variant has been classified as Likely Pathogenic. Donor and acceptor splice site variants typically lead to a loss of protein function (PMID: 16199547), and loss-of-function variants in HPSE2 are known to be pathogenic (PMID: 20560210, 20560209). This variant has not been reported in the literature in individuals with HPSE2-related disease. This variant is not present in population databases (ExAC no frequency).

Literature cited by the submitters: PubMed 16199547; PubMed 20560210; PubMed 20560209.